The following is an entry in ClinVar:

NM_018713.3(SLC30A10):c.865A>G (p.Ile289Val)

Gene: SLC30A10 (solute carrier family 30 member 10; minus strand). Cytogenetic location: 1q41.
Variant type: single nucleotide variant.
Coding change: c.865A>G on transcript NM_018713.3 (MANE Select); coding-DNA position 865, A replaced by G.
Protein change: p.Ile289Val; replaces isoleucine 289 with valine.
Molecular consequence: missense variant. On other transcripts: non-coding transcript variant (2).
Genome position (GRCh38, 1-based): chr1:219,918,348, T>C on the plus strand (A>G on the coding strand, the complement: SLC30A10 is on the minus strand). VCF-style: chr1-219918348-T-C. GRCh37 (hg19) VCF-style: chr1-220091690-T-C.
Other names: c.676A>G, p.Ile226Val (NM_001376929.1); c.190A>G, p.Ile64Val (NM_001416004.1, NM_001416005.1); short protein forms I226V, I289V, I64V.
Identifiers: ClinVar variation 1923699 (VCV001923699.5), dbSNP rs1223498729, ClinGen allele CA344732692.

ClinVar aggregate classification (germline): Uncertain significance (1 of 4 stars; one submission).

Submission:

Labcorp Genetics (formerly Invitae), Labcorp
Classification: Uncertain significance. Last evaluated: 2022-05-26. Review status: criteria provided, single submitter. Criteria: Invitae Variant Classification Sherloc (09022015). Collection method: clinical testing. Allele origin: germline.
Comment: This sequence change replaces isoleucine, which is neutral and non-polar, with valine, which is neutral and non-polar, at codon 289 of the SLC30A10 protein (p.Ile289Val). This variant is not present in population databases (gnomAD no frequency). This variant has not been reported in the literature in individuals affected with SLC30A10-related conditions. Algorithms developed to predict the effect of missense changes on protein structure and function (SIFT, PolyPhen-2, Align-GVGD) all suggest that this variant is likely to be tolerated. In summary, the available evidence is currently insufficient to determine the role of this variant in disease. Therefore, it has been classified as a Variant of Uncertain Significance.